The following is an entry in ClinVar:

NM_006073.4(TRDN):c.2135C>T (p.Pro712Leu)

Gene: TRDN (triadin; minus strand). Cytogenetic location: 6q22.31.
Variant type: single nucleotide variant.
Coding change: c.2135C>T on transcript NM_006073.4 (MANE Select); coding-DNA position 2135, C replaced by T.
Protein change: p.Pro712Leu; replaces proline 712 with leucine.
Molecular consequence: missense variant.
Genome position (GRCh38, 1-based): chr6:123,218,656, G>A on the plus strand (C>T on the coding strand, the complement: TRDN is on the minus strand). VCF-style: chr6-123218656-G-A. GRCh37 (hg19) VCF-style: chr6-123539801-G-A.
Other names: short protein forms P712L.
Identifiers: ClinVar variation 287342 (VCV000287342.18), dbSNP rs761888858, ClinGen allele CA3983587.

ClinVar aggregate classification (germline): Uncertain significance. Review status: criteria provided, multiple submitters, no conflicts (2 of 4 stars). 4 submissions from 4 submitters: Uncertain significance (4). Last evaluated 2025-02-04.

Conditions:
Cardiovascular phenotype. Identifiers: MedGen CN230736.
Catecholaminergic polymorphic ventricular tachycardia 1. Also called: VENTRICULAR TACHYCARDIA, CATECHOLAMINERGIC POLYMORPHIC, 1, WITH OR WITHOUT ATRIAL DYSFUNCTION AND/OR DILATED CARDIOMYOPATHY; VENTRICULAR TACHYCARDIA, STRESS-INDUCED POLYMORPHIC 1; RYR2-Related Catecholaminergic Polymorphic Ventricular Tachycardia. Identifiers: Orphanet 3286, MedGen C1631597, MONDO:0011484, OMIM 604772.

Allele frequency attached by ClinVar (database versions not stated): gnomAD 0.00003 and 0.00004; TOPMed 0.00003.
gnomAD v4.1: 59 of 1,610,796 alleles (0.0037%); highest among the groups gnomAD compares: South Asian, 0.0055%; no homozygotes.

Submissions (4):

Ambry Genetics
Classification: Uncertain significance for Cardiovascular phenotype. Last evaluated: 2025-02-04. Review status: criteria provided, single submitter. Criteria: Ambry Variant Classification Scheme 2023. Collection method: clinical testing. Allele origin: germline.
Comment: The p.P712L variant (also known as c.2135C>T), located in coding exon 41 of the TRDN gene, results from a C to T substitution at nucleotide position 2135. The proline at codon 712 is replaced by leucine, an amino acid with similar properties. This amino acid position is conserved. In addition, this alteration is predicted to be tolerated by in silico analysis. Since supporting evidence is limited at this time, the clinical significance of this alteration remains unclear.

Labcorp Genetics (formerly Invitae), Labcorp
Classification: Uncertain significance for Catecholaminergic polymorphic ventricular tachycardia 1. Last evaluated: 2024-07-19. Review status: criteria provided, single submitter. Criteria: Invitae Variant Classification Sherloc (09022015). Collection method: clinical testing. Allele origin: germline.
Comment: This sequence change replaces proline, which is neutral and non-polar, with leucine, which is neutral and non-polar, at codon 712 of the TRDN protein (p.Pro712Leu). This variant is present in population databases (rs761888858, gnomAD 0.007%). This variant has not been reported in the literature in individuals affected with TRDN-related conditions. ClinVar contains an entry for this variant (Variation ID: 287342). An algorithm developed to predict the effect of missense changes on protein structure and function (PolyPhen-2) suggests that this variant is likely to be disruptive. In summary, the available evidence is currently insufficient to determine the role of this variant in disease. Therefore, it has been classified as a Variant of Uncertain Significance.

Eurofins Ntd Llc (ga)
Classification: Uncertain significance. Last evaluated: 2016-04-29. Review status: criteria provided, single submitter. Criteria: EGL Classification Definitions 2015. Collection method: clinical testing. Allele origin: germline. Observed: 1 variant allele, 1 heterozygote.

Breakthrough Genomics
Classification: Uncertain significance. Review status: criteria provided, single submitter. Criteria: ACMG Guidelines, 2015. Collection method: not provided. Allele origin: germline. Inheritance: Autosomal recessive inheritance. Affected: yes.